The following is an entry in ClinVar:

ClinVar aggregate classification (germline): Uncertain significance (1 of 4 stars; one submission).

gnomAD v4.1: 1 of 1,612,922 alleles (0.000062%); no homozygotes.

Submission:

Labcorp Genetics (formerly Invitae), Labcorp
Classification: Uncertain significance. Last evaluated: 2025-09-10. Review status: criteria provided, single submitter. Criteria: Invitae Variant Classification Sherloc (09022015). Collection method: clinical testing. Allele origin: germline.
Comment: This sequence change replaces glycine, which is neutral and non-polar, with valine, which is neutral and non-polar, at codon 754 of the TRPV6 protein (p.Gly754Val). This variant is not present in population databases (gnomAD no frequency). This variant has not been reported in the literature in individuals affected with TRPV6-related conditions. Experimental studies and prediction algorithms are not available or were not evaluated, and the functional significance of this variant is currently unknown. In summary, the available evidence is currently insufficient to determine the role of this variant in disease. Therefore, it has been classified as a Variant of Uncertain Significance.

NM_018646.6(TRPV6):c.2261G>T (p.Gly754Val)

Gene: TRPV6 (transient receptor potential cation channel subfamily V member 6; minus strand). Cytogenetic location: 7q34.
Variant type: single nucleotide variant.
Coding change: c.2261G>T on transcript NM_018646.6 (MANE Select); coding-DNA position 2261, G replaced by T.
Protein change: p.Gly754Val; replaces glycine 754 with valine.
Molecular consequence: missense variant.
Genome position (GRCh38, 1-based): chr7:142,871,744, C>A on the plus strand (G>T on the coding strand, the complement: TRPV6 is on the minus strand). VCF-style: chr7-142871744-C-A. GRCh37 (hg19) VCF-style: chr7-142569497-C-A.
Other names: short protein forms G754V.
Identifiers: ClinVar variation 4798660 (VCV004798660.1).